The following is an entry in ClinVar:

NM_006015.6(ARID1A):c.162C>T (p.Ala54=)

Gene: ARID1A (AT-rich interaction domain 1A; plus strand). Cytogenetic location: 1p36.11.
Variant type: single nucleotide variant.
Coding change: c.162C>T on transcript NM_006015.6 (MANE Select); coding-DNA position 162, C replaced by T.
Protein change: p.Ala54=; no amino-acid change (alanine 54 retained).
Molecular consequence: synonymous variant.
Genome position (GRCh38, 1-based): chr1:26,696,565, C>T. VCF-style: chr1-26696565-C-T. GRCh37 (hg19) VCF-style: chr1-27023056-C-T.
Other names: c.162C>T, p.Ala54= (NM_139135.4).
Identifiers: ClinVar variation 1250824 (VCV001250824.15), dbSNP rs1001634270, ClinGen allele CA19640389.

ClinVar aggregate classification (germline): Benign/Likely benign. Review status: criteria provided, multiple submitters, no conflicts (2 of 4 stars). 6 submissions from 6 submitters: Benign (3); Likely benign (1). 2 of the submissions do not count toward it. Last evaluated 2026-01-13.

Conditions:
Intellectual disability, autosomal dominant 14 (CSS2). Also called: COFFIN-SIRIS SYNDROME 2. Identifiers: Orphanet 1465, MedGen C3553247, MONDO:0013819, OMIM 614607.
ARID1A-related disorder. Also called: ARID1A-related condition.

Allele frequency attached by ClinVar (database versions not stated): gnomAD exomes 0.00007; 1000 Genomes Project 30x 0.00031; gnomAD 0.00063 and 0.00068.
gnomAD v4.1: 176 of 1,229,960 alleles (0.014%); highest among the groups gnomAD compares: African/African-American, 0.24%; 1 homozygote.

Submissions (6):

Labcorp Genetics (formerly Invitae), Labcorp
Classification: Benign. Last evaluated: 2026-01-13. Review status: criteria provided, single submitter. Criteria: Invitae Variant Classification Sherloc (09022015). Collection method: clinical testing. Allele origin: germline.

Blueprint Genetics
Classification: Likely benign. Last evaluated: 2024-08-06. Review status: criteria provided, single submitter. Criteria: ACMG Guidelines, 2015. Collection method: clinical testing. Allele origin: germline.

Genome-Nilou Lab
Classification: Benign for Intellectual disability, autosomal dominant 14. Last evaluated: 2021-12-05. Review status: criteria provided, single submitter. Criteria: ACMG Guidelines, 2015. Collection method: clinical testing. Allele origin: germline. Affected: no.

GeneDx
Classification: Benign. Last evaluated: 2020-02-18. Review status: criteria provided, single submitter. Criteria: GeneDx Variant Classification Process June 2021. Collection method: clinical testing. Allele origin: germline. Affected: yes.

Genetic Services Laboratory, University of Chicago
Classification: Likely benign. Last evaluated: 2022-07-19. Review status: no assertion criteria provided. Collection method: clinical testing. Allele origin: germline. Affected: no. Not counted in ClinVar's aggregate classification.

PreventionGenetics, part of Exact Sciences
Classification: Likely benign for ARID1A-related condition. Last evaluated: 2019-11-07. Review status: no assertion criteria provided. Collection method: clinical testing. Allele origin: germline. Not counted in ClinVar's aggregate classification.
Comment: This variant is classified as likely benign based on ACMG/AMP sequence variant interpretation guidelines (Richards et al. 2015 PMID: 25741868, with internal and published modifications).